The following is an entry in ClinVar:

NM_004036.5(ADCY3):c.746G>T (p.Arg249Leu)

Gene: ADCY3 (adenylate cyclase 3; minus strand). Cytogenetic location: 2p23.3.
Variant type: single nucleotide variant.
Coding change: c.746G>T on transcript NM_004036.5 (MANE Select); coding-DNA position 746, G replaced by T.
Protein change: p.Arg249Leu; replaces arginine 249 with leucine.
Molecular consequence: missense variant.
Genome position (GRCh38, 1-based): chr2:24,872,649, C>A on the plus strand (G>T on the coding strand, the complement: ADCY3 is on the minus strand). VCF-style: chr2-24872649-C-A. GRCh37 (hg19) VCF-style: chr2-25095518-C-A.
Other names: c.746G>T, p.Arg249Leu (NM_001320613.2, NM_001377128.1, NM_001377129.1 and 2 more transcripts); c.23G>T, p.Arg8Leu (NM_001377131.1); short protein forms R249L, R8L.
Identifiers: ClinVar variation 2634074 (VCV002634074.4), dbSNP rs149726253, ClinGen allele CA1554413.

ClinVar aggregate classification (germline): Uncertain significance (1 of 4 stars; one submission).

Conditions:
ADCY3-related disorder. Also called: ADCY3-related condition.

Allele frequency attached by ClinVar (database versions not stated): ExAC 0.00003; ESP Exome Variant Server 0.00015.
gnomAD v4.1: 329 of 1,614,080 alleles (0.02%); highest among the groups gnomAD compares: Non-Finnish European, 0.026%; no homozygotes.

Submission:

PreventionGenetics, part of Exact Sciences
Classification: Uncertain significance for ADCY3-related condition. Last evaluated: 2026-03-21. Review status: criteria provided, single submitter. Criteria: ACMG Guidelines, 2015. Collection method: clinical testing. Allele origin: germline.
Comment: The ADCY3 c.746G>T variant is predicted to result in the amino acid substitution p.Arg249Leu. To our knowledge, this variant has not been reported in the literature. This variant is reported in 0.010% of alleles in individuals of European (Non-Finnish) descent in gnomAD. At this time, the clinical significance of this variant is uncertain due to the absence of conclusive functional and genetic evidence.